The following is an entry in ClinVar:

ClinVar aggregate classification (germline): Uncertain significance. Review status: criteria provided, multiple submitters, no conflicts (2 of 4 stars). 2 submissions from 2 submitters: Uncertain significance (2). Last evaluated 2021-08-31.

Allele frequency attached by ClinVar (database versions not stated): TOPMed 0.00001; ESP Exome Variant Server 0.00008.
gnomAD v4.1: 12 of 1,605,356 alleles (0.00075%); highest among the groups gnomAD compares: East Asian, 0.0022%; no homozygotes.

Submissions (2):

Labcorp Genetics (formerly Invitae), Labcorp
Classification: Uncertain significance. Last evaluated: 2021-08-31. Review status: criteria provided, single submitter. Criteria: Invitae Variant Classification Sherloc (09022015). Collection method: clinical testing. Allele origin: germline.
Comment: This sequence change replaces leucine with valine at codon 110 of the KCNV2 protein (p.Leu110Val). The leucine residue is moderately conserved and there is a small physicochemical difference between leucine and valine. This variant is not present in population databases (ExAC no frequency). This missense change has been observed in individual(s) with retinal dystrophy (PMID: 21882291). Algorithms developed to predict the effect of missense changes on protein structure and function are either unavailable or do not agree on the potential impact of this missense change (SIFT: "Deleterious"; PolyPhen-2: "Possibly Damaging"; Align-GVGD: "Class C0"). Experimental studies have shown that this missense change affects KCNV2 function (PMID: 21882291). Algorithms developed to predict the effect of sequence changes on RNA splicing suggest that this variant may create or strengthen a splice site. In summary, the available evidence is currently insufficient to determine the role of this variant in disease. Therefore, it has been classified as a Variant of Uncertain Significance.

Blueprint Genetics
Classification: Uncertain significance. Last evaluated: 2021-07-06. Review status: criteria provided, single submitter. Criteria: ACMG Guidelines, 2015. Collection method: clinical testing. Allele origin: germline.

Literature cited by the submitters: PubMed 21882291 (cited by Labcorp Genetics (formerly Invitae), Labcorp).

NM_133497.4(KCNV2):c.328C>G (p.Leu110Val)

Gene: KCNV2 (potassium voltage-gated channel modifier subfamily V member 2; plus strand). Cytogenetic location: 9p24.2.
Variant type: single nucleotide variant.
Coding change: c.328C>G on transcript NM_133497.4 (MANE Select); coding-DNA position 328, C replaced by G.
Protein change: p.Leu110Val; replaces leucine 110 with valine.
Molecular consequence: missense variant.
Genome position (GRCh38, 1-based): chr9:2,718,067, C>G. VCF-style: chr9-2718067-C-G. GRCh37 (hg19) VCF-style: chr9-2718067-C-G.
Other names: short protein forms L110V.
Identifiers: ClinVar variation 1025863 (VCV001025863.7), dbSNP rs372942165, ClinGen allele CA187971093.